The following is an entry in ClinVar:

ClinVar aggregate classification (germline): Uncertain significance (1 of 4 stars; one submission).

Submission:

Ambry Genetics
Classification: Uncertain significance. Last evaluated: 2025-09-21. Review status: criteria provided, single submitter. Criteria: Ambry Variant Classification Scheme 2023. Collection method: clinical testing. Allele origin: germline.
Comment: The p.S505F variant (also known as c.1514C>T), located in coding exon 13 of the GEN1 gene, results from a C to T substitution at nucleotide position 1514. The serine at codon 505 is replaced by phenylalanine, an amino acid with highly dissimilar properties. This amino acid position is conserved. In addition, this alteration is predicted to be tolerated by in silico analysis. Based on the available evidence, the clinical significance of this variant remains unclear.

NM_001130009.3(GEN1):c.1514C>T (p.Ser505Phe)

Gene: GEN1 (GEN1 structure-specific endonuclease; plus strand). Cytogenetic location: 2p24.2.
Variant type: single nucleotide variant.
Coding change: c.1514C>T on transcript NM_001130009.3 (MANE Select); coding-DNA position 1514, C replaced by T.
Protein change: p.Ser505Phe; replaces serine 505 with phenylalanine.
Molecular consequence: missense variant.
Genome position (GRCh38, 1-based): chr2:17,780,726, C>T. VCF-style: chr2-17780726-C-T. GRCh37 (hg19) VCF-style: chr2-17961993-C-T.
Other names: c.1514C>T, p.Ser505Phe (NM_182625.5); short protein forms S505F.
Identifiers: ClinVar variation 4671443 (VCV004671443.1).
Genomic context (GRCh38, chr2:17,780,726, plus strand): 5'-TGAGCTTTCAGTCACACATGACTTTAAAACCCACATGTGAAATCTTTCATAAGCAGAATT[C>T]CAAGTTAAATTCGGGGATTTCCCCTGATCCTACATTACCACAGGAATCTATTTCTGCCTC-3'
Protein context (NP_001123481.3, residues 495-515): PTCEIFHKQN[Ser505Phe]KLNSGISPDP